The following is an entry in ClinVar:

ClinVar aggregate classification (germline): Uncertain significance (1 of 4 stars; one submission).

Conditions:
Seizures, benign familial infantile, 3 (BFIS3). Also called: CONVULSIONS, BENIGN FAMILIAL INFANTILE, 3; Familial neonatal seizures. Identifiers: Orphanet 140927, Orphanet 306, MedGen C1843140, MONDO:0011904, OMIM 607745.
Developmental and epileptic encephalopathy, 11 (DEE11). Also called: Early infantile epileptic encephalopathy 11. Identifiers: Orphanet 1934, MedGen C3150987, MONDO:0013388, OMIM 613721.

gnomAD v4.1: 7 of 1,614,162 alleles (0.00043%); highest among the groups gnomAD compares: Non-Finnish European, 0.00051%; no homozygotes.

Submission:

Labcorp Genetics (formerly Invitae), Labcorp
Classification: Uncertain significance for Seizures, benign familial infantile, 3; Developmental and epileptic encephalopathy, 11. Last evaluated: 2024-08-27. Review status: criteria provided, single submitter. Criteria: Invitae Variant Classification Sherloc (09022015). Collection method: clinical testing. Allele origin: germline.
Comment: This sequence change replaces valine, which is neutral and non-polar, with alanine, which is neutral and non-polar, at codon 613 of the SCN2A protein (p.Val613Ala). This variant is present in population databases (rs776945957, gnomAD 0.005%). This variant has not been reported in the literature in individuals affected with SCN2A-related conditions. Invitae Evidence Modeling of protein sequence and biophysical properties (such as structural, functional, and spatial information, amino acid conservation, physicochemical variation, residue mobility, and thermodynamic stability) has been performed for this missense variant. However, the output from this modeling did not meet the statistical confidence thresholds required to predict the impact of this variant on SCN2A protein function. In summary, the available evidence is currently insufficient to determine the role of this variant in disease. Therefore, it has been classified as a Variant of Uncertain Significance.

NM_001040142.2(SCN2A):c.1838T>C (p.Val613Ala)

Gene: SCN2A (sodium voltage-gated channel alpha subunit 2; plus strand). Cytogenetic location: 2q24.3.
Variant type: single nucleotide variant.
Coding change: c.1838T>C on transcript NM_001040142.2 (MANE Select); coding-DNA position 1838, T replaced by C.
Protein change: p.Val613Ala; replaces valine 613 with alanine.
Molecular consequence: missense variant.
Genome position (GRCh38, 1-based): chr2:165,323,322, T>C. VCF-style: chr2-165323322-T-C. GRCh37 (hg19) VCF-style: chr2-166179832-T-C.
Other names: c.1838T>C, p.Val613Ala (NM_001040143.2, NM_001371246.1, NM_001371247.1 and 1 more transcripts); short protein forms V613A.
Identifiers: ClinVar variation 3750393 (VCV003750393.2).